The following is an entry in ClinVar:

ClinVar aggregate classification (germline): Pathogenic (1 of 4 stars; one submission).

Submission:

Geisinger Autism and Developmental Medicine Institute, Geisinger Health System
Classification: Pathogenic. Last evaluated: 2018-04-03. Review status: criteria provided, single submitter. Criteria: ACMG CNV Guidelines, 2011. Collection method: provider interpretation. Allele origin: unknown.
Comment: Brain MRI showed mega cisterna magna but was otherwise unremarkable. Parental testing was not completed.

Single allele

Genes: ZFPM1 (zinc finger protein, FOG family member 1; plus strand), ZNF469 (zinc finger protein 469; plus strand), ZNF778 (zinc finger protein 778; plus strand), ACSF3 (acyl-CoA synthetase family member 3; plus strand), ANKRD11 (ankyrin repeat domain containing 11; minus strand) and 26 more. Cytogenetic location: 16q24.1-24.3.
Variant type: Deletion.
Identifiers: ClinVar variation 560033 (VCV000560033.3).